The following is an entry in ClinVar:

NM_015046.7(SETX):c.1993G>A (p.Glu665Lys)

Gene: SETX (senataxin; minus strand). Cytogenetic location: 9q34.13.
Variant type: single nucleotide variant.
Coding change: c.1993G>A on transcript NM_015046.7 (MANE Select); coding-DNA position 1993, G replaced by A.
Protein change: p.Glu665Lys; replaces glutamic acid 665 with lysine.
Molecular consequence: missense variant.
Genome position (GRCh38, 1-based): chr9:132,329,605, C>T on the plus strand (G>A on the coding strand, the complement: SETX is on the minus strand). VCF-style: chr9-132329605-C-T. GRCh37 (hg19) VCF-style: chr9-135204992-C-T.
Other names: c.1993G>A, p.Glu665Lys (NM_001351527.2, NM_001351528.2); short protein forms E665K.
Identifiers: ClinVar variation 951308 (VCV000951308.10), dbSNP rs1339144218, ClinGen allele CA375337218.
Genomic context (GRCh38, chr9:132,329,605, plus strand): 5'-CTAAGAGATGGTCCTCTAGTTTCACATCCTTTATATAATTTTGCTCATTATTGTCACCTT[C>T]TATAGTGTTATCTGCTTTGATCAATACACTGTCTTGCACTTTCATTGGTTCTTTAGAAAA-3'
Protein context (NP_055861.3, residues 655-675): SVLIKADNTI[Glu665Lys]GDNNEQNYIK

ClinVar aggregate classification (germline): Uncertain significance (1 of 4 stars; one submission).

Conditions:
Amyotrophic lateral sclerosis type 4 (ALS4). Also called: NEURONOPATHY, DISTAL HEREDITARY MOTOR, WITH PYRAMIDAL FEATURES; AMYOTROPHIC LATERAL SCLEROSIS 4, JUVENILE. Identifiers: Orphanet 357043, MedGen C1865409, MONDO:0011223, OMIM 602433.
Spinocerebellar ataxia, autosomal recessive, with axonal neuropathy 2 (SCAN2). Also called: Ataxia-ocular apraxia-2; ATAXIA-OCULOMOTOR APRAXIA 2; Ataxia with Oculomotor Apraxia Type 2; Ataxia with Oculomotor Apraxia. Identifiers: Orphanet 64753, MedGen C1853761, MONDO:0018996, OMIM 606002.

Submission:

Labcorp Genetics (formerly Invitae), Labcorp
Classification: Uncertain significance for Amyotrophic lateral sclerosis type 4; Spinocerebellar ataxia, autosomal recessive, with axonal neuropathy 2. Last evaluated: 2019-05-03. Review status: criteria provided, single submitter. Criteria: Invitae Variant Classification Sherloc (09022015). Collection method: clinical testing. Allele origin: germline.
Comment: In summary, the available evidence is currently insufficient to determine the role of this variant in disease. Therefore, it has been classified as a Variant of Uncertain Significance. Algorithms developed to predict the effect of missense changes on protein structure and function are either unavailable or do not agree on the potential impact of this missense change (SIFT: "Tolerated"; PolyPhen-2: "Possibly Damaging"; Align-GVGD: "Class C0"). This variant has not been reported in the literature in individuals with SETX-related conditions. This variant is not present in population databases (ExAC no frequency). This sequence change replaces glutamic acid with lysine at codon 665 of the SETX protein (p.Glu665Lys). The glutamic acid residue is weakly conserved and there is a small physicochemical difference between glutamic acid and lysine.